The following is an entry in ClinVar:

ClinVar aggregate classification (germline): Conflicting classifications of pathogenicity. Review status: criteria provided, conflicting classifications (1 of 4 stars). 13 submissions from 9 submitters: Uncertain significance (9); Likely benign (4). Last evaluated 2026-09-21.

Conditions:
Cardiovascular phenotype. Identifiers: MedGen CN230736.
TTN-related disorder. Also called: TTN-related disorders; TTN-related condition; TTN-related disease.
Autosomal recessive limb-girdle muscular dystrophy type 2J (LGMDR10). Also called: Limb-girdle muscular dystrophy, type 2J; MUSCULAR DYSTROPHY, LIMB-GIRDLE, AUTOSOMAL RECESSIVE 10. Identifiers: Orphanet 140922, MedGen C1837342, MONDO:0012127, OMIM 608807.
Dilated cardiomyopathy 1G (CMD1G). Identifiers: Orphanet 154, MedGen C1858763, MONDO:0011400, OMIM 604145.
Early-onset myopathy with fatal cardiomyopathy (CMYO5). Also called: Salih Myopathy; CONGENITAL MYOPATHY 5 WITH CARDIOMYOPATHY. Identifiers: Orphanet 289377, MedGen C2673677, MONDO:0012714, OMIM 611705. Disease mechanism: loss of function.
Tibial muscular dystrophy (TMD). Also called: Udd Distal Myopathy – Tibial Muscular Dystrophy; UDD MYOPATHY; Tibial muscular dystrophy, tardive. Identifiers: Orphanet 609, MedGen C1838244, MONDO:0010870, OMIM 600334.
Myopathy, myofibrillar, 9, with early respiratory failure (MFM9). Also called: EDSTROM MYOPATHY; MYOPATHY, PROXIMAL, WITH EARLY RESPIRATORY MUSCLE INVOLVEMENT; Hereditary myopathy with early respiratory failure; Myopathy, distal, with early respiratory failure, autosomal dominant. Identifiers: Orphanet 178464, Orphanet 34521, MedGen C1863599, MONDO:0011362, OMIM 603689.

Allele frequency attached by ClinVar (database versions not stated): ExAC 0.00002; TOPMed 0.00003; gnomAD 0.00006; ESP Exome Variant Server 0.00017.
gnomAD v4.1: 41 of 1,613,112 alleles (0.0025%); highest among the groups gnomAD compares: African/African-American, 0.004%; no homozygotes.

Submissions (13):

Molecular Diagnostic Laboratory for Inherited Cardiovascular Disease, Montreal Heart Institute
Classification: Likely benign. Last evaluated: 2026-09-21. Review status: criteria provided, single submitter. Criteria: ACMG Guidelines, 2015. Collection method: clinical testing. Allele origin: germline. Affected: no.
Comment: BP1;BP4

PreventionGenetics, part of Exact Sciences
Classification: Uncertain significance for TTN-related condition. Last evaluated: 2025-11-21. Review status: criteria provided, single submitter. Criteria: ACMG Guidelines, 2015. Collection method: clinical testing. Allele origin: germline.
Comment: The TTN c.61592G>A variant is predicted to result in the amino acid substitution p.Arg20531His. To our knowledge, this variant has not been reported in the literature. This variant is reported in 0.0041% of alleles in individuals of African descent in gnomAD. At this time, the clinical significance of this variant is uncertain due to the absence of conclusive functional and genetic evidence.

GeneDx
Classification: Uncertain significance. Last evaluated: 2024-12-06. Review status: criteria provided, single submitter. Criteria: GeneDx Variant Classification Process June 2021. Collection method: clinical testing. Allele origin: germline. Affected: yes.
Comment: Not observed at significant frequency in large population cohorts (gnomAD); Missense variant in a gene in which most reported pathogenic variants are truncating/loss of function; Has not been previously published as pathogenic or benign to our knowledge

Revvity Omics, Revvity
Classification: Uncertain significance. Last evaluated: 2024-07-29. Review status: criteria provided, single submitter. Criteria: ACMG Guidelines, 2015. Collection method: clinical testing. Allele origin: germline.

CeGaT Center for Human Genetics Tuebingen
Classification: Likely benign. Last evaluated: 2023-05-01. Review status: criteria provided, single submitter. Criteria: CeGaT Center For Human Genetics Tuebingen Variant Classification Criteria Version 2. Collection method: clinical testing. Allele origin: germline. Affected: yes. Observed: 1 variant allele.
Comment: TTN: BP4

Ambry Genetics
Classification: Uncertain significance for Cardiovascular phenotype. Last evaluated: 2020-01-08. Review status: criteria provided, single submitter. Criteria: Ambry Variant Classification Scheme 2023. Collection method: clinical testing. Allele origin: germline.
Comment: The p.R11466H variant (also known as c.34397G>A), located in coding exon 131 of the TTN gene, results from a G to A substitution at nucleotide position 34397. The arginine at codon 11466 is replaced by histidine, an amino acid with highly similar properties. This amino acid position is not well conserved in available vertebrate species, and histidine is the reference amino acid in two species. In addition, this alteration is predicted to be tolerated by in silico analysis. Since supporting evidence is limited at this time, the clinical significance of this alteration remains unclear.

Illumina Laboratory Services, Illumina
Classification: Uncertain significance for Autosomal recessive limb-girdle muscular dystrophy type 2J. Last evaluated: 2018-01-12. Review status: criteria provided, single submitter. Criteria: ICSL Variant Classification Criteria 13 December 2019. Collection method: clinical testing. Allele origin: germline.

Illumina Laboratory Services, Illumina
Classification: Uncertain significance for Early-onset myopathy with fatal cardiomyopathy. Last evaluated: 2018-01-12. Review status: criteria provided, single submitter. Criteria: ICSL Variant Classification Criteria 13 December 2019. Collection method: clinical testing. Allele origin: germline.

Illumina Laboratory Services, Illumina
Classification: Uncertain significance for Dilated cardiomyopathy 1G. Last evaluated: 2018-01-12. Review status: criteria provided, single submitter. Criteria: ICSL Variant Classification Criteria 13 December 2019. Collection method: clinical testing. Allele origin: germline.

Illumina Laboratory Services, Illumina
Classification: Likely benign for Myopathy, myofibrillar, 9, with early respiratory failure. Last evaluated: 2018-01-12. Review status: criteria provided, single submitter. Criteria: ICSL Variant Classification Criteria 13 December 2019. Collection method: clinical testing. Allele origin: germline.
Comment: This variant was observed in the ICSL laboratory as part of a predisposition screen in an ostensibly healthy population. It had not been previously curated by ICSL or reported in the Human Gene Mutation Database (HGMD: prior to June 1st, 2018), and was therefore a candidate for classification through an automated scoring system. Utilizing variant allele frequency, disease prevalence and penetrance estimates, and inheritance mode, an automated score was calculated to assess if this variant is too frequent to cause the disease. Based on the score and internal cut-off values, a variant classified as likely benign is not then subjected to further curation. The score for this variant resulted in a classification of likely benign for this disease.

Illumina Laboratory Services, Illumina
Classification: Likely benign for Tibial muscular dystrophy. Last evaluated: 2018-01-12. Review status: criteria provided, single submitter. Criteria: ICSL Variant Classification Criteria 13 December 2019. Collection method: clinical testing. Allele origin: germline.
Comment: the same text as in the submission from Illumina Laboratory Services, Illumina above.

Labcorp Genetics (formerly Invitae), Labcorp
Classification: Uncertain significance for Dilated cardiomyopathy 1G; Autosomal recessive limb-girdle muscular dystrophy type 2J. Last evaluated: 2018-01-04. Review status: criteria provided, single submitter. Criteria: Invitae Variant Classification Sherloc (09022015). Collection method: clinical testing. Allele origin: germline.

Eurofins Ntd Llc (ga)
Classification: Uncertain significance. Last evaluated: 2017-01-12. Review status: criteria provided, single submitter. Criteria: EGL Classification Definitions 2015. Collection method: clinical testing. Allele origin: germline. Observed: 1 variant allele, 1 heterozygote.

NM_001267550.2(TTN):c.61592G>A (p.Arg20531His)

Genes: TTN (titin; minus strand), TTN-AS1 (TTN antisense RNA 1; plus strand). Cytogenetic location: 2q31.2.
Variant type: single nucleotide variant.
Coding change: c.61592G>A on transcript NM_001267550.2 (MANE Select); coding-DNA position 61592, G replaced by A.
Protein change: p.Arg20531His; replaces arginine 20531 with histidine.
Molecular consequence: missense variant.
Genome position (GRCh38, 1-based): chr2:178,590,133, C>T on the plus strand (G>A on the coding strand, the complement: TTN is on the minus strand). VCF-style: chr2-178590133-C-T. GRCh37 (hg19) VCF-style: chr2-179454860-C-T.
Other names: c.61592G>A (NM_001267550.1); c.56669G>A, p.Arg18890His (NM_001256850.1); c.34397G>A, p.Arg11466His (NM_003319.4); c.53888G>A, p.Arg17963His (NM_133378.4); c.34772G>A, p.Arg11591His (NM_133432.3); c.34973G>A, p.Arg11658His (NM_133437.4); short protein forms R11466H, R20531H, R17963H, R11591H, R11658H, R18890H.
Identifiers: ClinVar variation 264601 (VCV000264601.47), dbSNP rs370887455, ClinGen allele CA1992343.
Genomic context (GRCh38, chr2:178,590,133, plus strand): 5'-GCTGAGATGATATACTTGCCATGATCAGCTCTAACAGCTTCTTTAATTTGTAACTCAACA[C>T]GAGGTAGATCCTGAATAAGGTCCACCCTCTTTTCTCGGACCAATACTTTGCCTTCCTTAG-3'
Protein context (NP_001254479.2, residues 20521-20541): KRVDLIQDLP[Arg20531His]VELQIKEAVR